The following is an entry in ClinVar:

NM_182641.4(BPTF):c.6676_6679dup (p.Thr2227fs)

Gene: BPTF (bromodomain PHD finger transcription factor; plus strand). Cytogenetic location: 17q24.2.
Variant type: Duplication.
Coding change: c.6676_6679dup on transcript NM_182641.4 (MANE Select); coding-DNA positions 6676 to 6679, 4 bases duplicated (ACCA; older notation c.6676_6679dupACCA).
Protein change: p.Thr2227fs; shifts the reading frame from threonine 2227.
Molecular consequence: frameshift variant.
Genome position (GRCh38, 1-based): chr17:67,944,348-67,944,351, ACCA duplicated. VCF-style (leftmost placement, unchanged base first): chr17-67944347-C-CACCA. GRCh37 (hg19) VCF-style: chr17-65940463-C-CACCA.
Other names: c.6865_6868dup, p.Thr2290fs (NM_001439139.1, NM_001439143.1, NM_001439144.1); c.7054_7057dup, p.Thr2353fs (NM_001439140.1, NM_001439142.1, NM_004459.7); c.7027_7030dup, p.Thr2344fs (NM_001439141.1); short protein forms T2227fs, T2290fs, T2344fs, T2353fs.
Identifiers: ClinVar variation 4291880 (VCV004291880.1).

ClinVar aggregate classification (germline): Likely pathogenic (1 of 4 stars; one submission).

Conditions:
Neurodevelopmental disorder with dysmorphic facies and distal limb anomalies. Identifiers: Orphanet 686482, MedGen C4540327, MONDO:0060596, OMIM 617755.

Submission:

3billion
Classification: Likely pathogenic for Neurodevelopmental disorder with dysmorphic facies and distal limb anomalies. Last evaluated: 2024-08-20. Review status: criteria provided, single submitter. Criteria: ACMG Guidelines, 2015. Collection method: clinical testing. Allele origin: germline. Affected: yes.
Comment: The variant is not observed in the gnomAD v4.0.0 dataset. Predicted Consequence/Location: Frameshift: predicted to result in a loss or disruption of normal protein function through nonsense-mediated decay (NMD) or protein truncation. Multiple pathogenic variants are reported downstream of the variant. Therefore, this variant is classified as Likely pathogenic according to the recommendation of ACMG/AMP guideline.